The following is an entry in ClinVar:

NM_001080467.3(MYO5B):c.1893C>T (p.Thr631=)

Gene: MYO5B (myosin VB; minus strand). Cytogenetic location: 18q21.1.
Variant type: single nucleotide variant.
Coding change: c.1893C>T on transcript NM_001080467.3 (MANE Select); coding-DNA position 1893, C replaced by T.
Protein change: p.Thr631=; no amino-acid change (threonine 631 retained).
Molecular consequence: synonymous variant.
Genome position (GRCh38, 1-based): chr18:49,937,257, G>A on the plus strand (C>T on the coding strand, the complement: MYO5B is on the minus strand). VCF-style: chr18-49937257-G-A. GRCh37 (hg19) VCF-style: chr18-47463627-G-A.
Other names: c.1893C>T (NM_001080467.2).
Identifiers: ClinVar variation 1924100 (VCV001924100.7), dbSNP rs766628314, ClinGen allele CA8961338.

ClinVar aggregate classification (germline): Likely benign. Review status: criteria provided, single submitter (1 of 4 stars). 2 submissions from 2 submitters: Likely benign (1). 1 of the submissions does not count toward it. Last evaluated 2022-07-20.

Conditions:
MYO5B-related disorder. Also called: MYO5B-related condition.

Allele frequency attached by ClinVar (database versions not stated): gnomAD exomes 0.00001; ExAC 0.00004; TOPMed 0.00004.
gnomAD v4.1: 16 of 1,614,066 alleles (0.00099%); highest among the groups gnomAD compares: South Asian, 0.0033%; no homozygotes.

Submissions (2):

Labcorp Genetics (formerly Invitae), Labcorp
Classification: Likely benign. Last evaluated: 2022-07-20. Review status: criteria provided, single submitter. Criteria: Invitae Variant Classification Sherloc (09022015). Collection method: clinical testing. Allele origin: germline.

PreventionGenetics, part of Exact Sciences
Classification: Likely benign for MYO5B-related condition. Last evaluated: 2022-05-25. Review status: no assertion criteria provided. Collection method: clinical testing. Allele origin: germline. Not counted in ClinVar's aggregate classification.
Comment: This variant is classified as likely benign based on ACMG/AMP sequence variant interpretation guidelines (Richards et al. 2015 PMID: 25741868, with internal and published modifications).